The following is an entry in ClinVar:

NM_005045.4(RELN):c.2207T>G (p.Phe736Cys)

Gene: RELN (reelin; minus strand). Cytogenetic location: 7q22.1.
Variant type: single nucleotide variant.
Coding change: c.2207T>G on transcript NM_005045.4 (MANE Select); coding-DNA position 2207, T replaced by G.
Protein change: p.Phe736Cys; replaces phenylalanine 736 with cysteine.
Molecular consequence: missense variant.
Genome position (GRCh38, 1-based): chr7:103,636,331, A>C on the plus strand (T>G on the coding strand, the complement: RELN is on the minus strand). VCF-style: chr7-103636331-A-C. GRCh37 (hg19) VCF-style: chr7-103276778-A-C.
Other names: c.2207T>G, p.Phe736Cys (NM_173054.3); short protein forms F736C.
Identifiers: ClinVar variation 2954534 (VCV002954534.3), dbSNP rs2484802690, ClinGen allele CA368761904.

ClinVar aggregate classification (germline): Uncertain significance (1 of 4 stars; one submission).

Conditions:
Norman-Roberts syndrome (LIS2). Also called: Lissencephaly 2 (Norman-Roberts type). Identifiers: Orphanet 89844, MedGen C0796089, MONDO:0009760, OMIM 257320.
Familial temporal lobe epilepsy 7. Identifiers: Orphanet 101046, MedGen C4225327, MONDO:0014639, OMIM 616436.

Submission:

Labcorp Genetics (formerly Invitae), Labcorp
Classification: Uncertain significance for Familial temporal lobe epilepsy 7; Norman-Roberts syndrome. Last evaluated: 2023-12-09. Review status: criteria provided, single submitter. Criteria: Invitae Variant Classification Sherloc (09022015). Collection method: clinical testing. Allele origin: germline.
Comment: This sequence change replaces phenylalanine, which is neutral and non-polar, with cysteine, which is neutral and slightly polar, at codon 736 of the RELN protein (p.Phe736Cys). This variant is not present in population databases (gnomAD no frequency). This variant has not been reported in the literature in individuals affected with RELN-related conditions. Advanced modeling of protein sequence and biophysical properties (such as structural, functional, and spatial information, amino acid conservation, physicochemical variation, residue mobility, and thermodynamic stability) performed at Invitae indicates that this missense variant is not expected to disrupt RELN protein function with a negative predictive value of 80%. In summary, the available evidence is currently insufficient to determine the role of this variant in disease. Therefore, it has been classified as a Variant of Uncertain Significance.